The following is an entry in ClinVar:

NM_004415.4(DSP):c.5651A>G (p.Glu1884Gly)

Gene: DSP (desmoplakin; plus strand). Cytogenetic location: 6p24.3.
Variant type: single nucleotide variant.
Coding change: c.5651A>G on transcript NM_004415.4 (MANE Select); coding-DNA position 5651, A replaced by G.
Protein change: p.Glu1884Gly; replaces glutamic acid 1884 with glycine.
Molecular consequence: missense variant.
Genome position (GRCh38, 1-based): chr6:7,582,913, A>G. VCF-style: chr6-7582913-A-G. GRCh37 (hg19) VCF-style: chr6-7583146-A-G.
Other names: c.3854A>G, p.Glu1285Gly (NM_001008844.3); c.4322A>G, p.Glu1441Gly (NM_001319034.2); short protein forms E1884G, E1285G, E1441G.
Identifiers: ClinVar variation 922821 (VCV000922821.4), dbSNP rs1414563217, ClinGen allele CA362689102.

ClinVar aggregate classification (germline): Uncertain significance (1 of 4 stars; one submission).

Conditions:
Cardiomyopathy (CMYO). Also called: Cardiomyopathies. Identifiers: Orphanet 167848, MedGen C0878544, MONDO:0004994, HP:0001638. Inheritance: Various modes of inheritance.

Allele frequency attached by ClinVar (database versions not stated): gnomAD exomes below 0.00001 and 0.00001; TOPMed below 0.00001.
gnomAD v4.1: 4 of 1,614,090 alleles (0.00025%); highest among the groups gnomAD compares: Non-Finnish European, 0.00025%; no homozygotes.

Submission:

Color Diagnostics, LLC DBA Color Health
Classification: Uncertain significance for Cardiomyopathy. Last evaluated: 2024-03-07. Review status: criteria provided, single submitter. Criteria: ACMG Guidelines, 2015. Collection method: clinical testing. Allele origin: germline.
Comment: This missense variant replaces glutamic acid with glycine at codon 1884 of the DSP protein. Computational prediction suggests that this variant may not impact protein structure and function (internally defined REVEL score threshold <= 0.5, PMID: 27666373). Splice site prediction tools suggest that this variant may not impact RNA splicing. To our knowledge, functional studies have not been reported for this variant. This variant has not been reported in individuals affected with cardiovascular disorders in the literature. This variant has been identified in 2/251312 chromosomes in the general population by the Genome Aggregation Database (gnomAD). The available evidence is insufficient to determine the role of this variant in disease conclusively. Therefore, this variant is classified as a Variant of Uncertain Significance.